The following is an entry in ClinVar:

ClinVar aggregate classification (germline): Pathogenic (1 of 4 stars; one submission).

Conditions:
Neurofibromatosis, type 1 (NF1). Also called: VON RECKLINGHAUSEN DISEASE; NEUROFIBROMATOSIS, TYPE I, SOMATIC; Peripheral type neurofibromatosis; Neurofibromatosis, type I. Identifiers: Orphanet 636, MedGen C0027831, MONDO:0018975, OMIM 162200. Disease mechanism: loss of function.

Submission:

Labcorp Genetics (formerly Invitae), Labcorp
Classification: Pathogenic for Neurofibromatosis, type 1. Last evaluated: 2025-12-06. Review status: criteria provided, single submitter. Criteria: Invitae Variant Classification Sherloc (09022015). Collection method: clinical testing. Allele origin: germline.
Comment: This sequence change creates a premature translational stop signal (p.Leu1935Glnfs*23) in the NF1 gene. It is expected to result in an absent or disrupted protein product. Loss-of-function variants in NF1 are known to be pathogenic (PMID: 10712197, 23913538). This variant is not present in population databases (gnomAD no frequency). This variant has not been reported in the literature in individuals affected with NF1-related conditions. ClinVar contains an entry for this variant (Variation ID: 3722592). For these reasons, this variant has been classified as Pathogenic.

Literature cited by the submitters: PubMed 10712197; PubMed 23913538.

NM_001042492.3(NF1):c.5867del (p.Leu1956fs)

Gene: NF1 (neurofibromin 1; plus strand). Cytogenetic location: 17q11.2.
Variant type: Deletion.
Coding change: c.5867del on transcript NM_001042492.3 (MANE Select); coding-DNA position 5867, one base deleted (T; older notation c.5867delT).
Protein change: p.Leu1956fs; shifts the reading frame from leucine 1956.
Molecular consequence: frameshift variant.
Genome position (GRCh38, 1-based): chr17:31,334,892, T deleted. VCF-style (leftmost placement, unchanged base first): chr17-31334891-CT-C. GRCh37 (hg19) VCF-style: chr17-29661909-CT-C.
Other names: c.5804delT, p.Leu1935Glnfs (NM_000267.4); short protein forms L1935fs, L1956fs.
Identifiers: ClinVar variation 3722592 (VCV003722592.2).